The following is an entry in ClinVar:

ClinVar aggregate classification (germline): Uncertain significance. Review status: criteria provided, multiple submitters, no conflicts (2 of 4 stars). 2 submissions from 2 submitters: Uncertain significance (2). Last evaluated 2022-12-23.

Submissions (2):

Labcorp Genetics (formerly Invitae), Labcorp
Classification: Uncertain significance. Last evaluated: 2022-12-23. Review status: criteria provided, single submitter. Criteria: Invitae Variant Classification Sherloc (09022015). Collection method: clinical testing. Allele origin: germline.
Comment: In summary, the available evidence is currently insufficient to determine the role of this variant in disease. Therefore, it has been classified as a Variant of Uncertain Significance. Advanced modeling of protein sequence and biophysical properties (such as structural, functional, and spatial information, amino acid conservation, physicochemical variation, residue mobility, and thermodynamic stability) performed at Invitae indicates that this missense variant is not expected to disrupt PRPF8 protein function. This variant has not been reported in the literature in individuals affected with PRPF8-related conditions. This variant is not present in population databases (gnomAD no frequency). This sequence change replaces lysine, which is basic and polar, with asparagine, which is neutral and polar, at codon 2302 of the PRPF8 protein (p.Lys2302Asn).

Blueprint Genetics
Classification: Uncertain significance. Last evaluated: 2021-06-10. Review status: criteria provided, single submitter. Criteria: ACMG Guidelines, 2015. Collection method: clinical testing. Allele origin: germline.

NM_006445.4(PRPF8):c.6906A>C (p.Lys2302Asn)

Gene: PRPF8 (pre-mRNA processing factor 8; minus strand). Cytogenetic location: 17p13.3.
Variant type: single nucleotide variant.
Coding change: c.6906A>C on transcript NM_006445.4 (MANE Select); coding-DNA position 6906, A replaced by C.
Protein change: p.Lys2302Asn; replaces lysine 2302 with asparagine.
Molecular consequence: missense variant.
Genome position (GRCh38, 1-based): chr17:1,650,904, T>G on the plus strand (A>C on the coding strand, the complement: PRPF8 is on the minus strand). VCF-style: chr17-1650904-T-G. GRCh37 (hg19) VCF-style: chr17-1554198-T-G.
Other names: short protein forms K2302N.
Identifiers: ClinVar variation 2808967 (VCV002808967.4), dbSNP rs1044148837, ClinGen allele CA397562197.